The following is an entry in ClinVar:

NM_017934.7(PHIP):c.3426T>C (p.Gly1142=)

Genes: IRAK1BP1 (interleukin 1 receptor associated kinase 1 binding protein 1; plus strand), PHIP (PHIP subunit of CUL4-Ring ligase complex; minus strand). Cytogenetic location: 6q14.1.
Variant type: single nucleotide variant.
Coding change: c.3426T>C on transcript NM_017934.7 (MANE Select); coding-DNA position 3426, T replaced by C.
Protein change: p.Gly1142=; no amino-acid change (glycine 1142 retained).
Molecular consequence: synonymous variant.
Genome position (GRCh38, 1-based): chr6:78,963,206, A>G on the plus strand (T>C on the coding strand, the complement: PHIP is on the minus strand). VCF-style: chr6-78963206-A-G. GRCh37 (hg19) VCF-style: chr6-79672923-A-G.
Other names: c.3426T>C (NM_017934.6).
Identifiers: ClinVar variation 2869827 (VCV002869827.5), dbSNP rs565928280, ClinGen allele CA3899691.
Genomic context (GRCh38, chr6:78,963,206, plus strand): 5'-ATCCCTGGGATTGGTACCCCATTCTCCATCAAGAGGTTTATAGATTAGTGATCTGCACTC[A>G]CCATCAGTTAAAGGAACACTGGTACCTAGTTCTTCAGGAAATACAGCTGAAATAGAAAAG-3'
Protein context (NP_060404.4, residues 1132-1152): ELGTSVPLTD[Gly1142=]ECRSLIYKPL

ClinVar aggregate classification (germline): Benign. Review status: criteria provided, single submitter (1 of 4 stars). 2 submissions from 2 submitters: Benign (1). 1 of the submissions does not count toward it. Last evaluated 2025-09-27.

Conditions:
PHIP-related disorder. Also called: PHIP-related disorders; PHIP-related condition.

Allele frequency attached by ClinVar (database versions not stated): gnomAD 0.00009; gnomAD exomes 0.00013; ExAC 0.00041; 1000 Genomes Project 30x 0.00094; 1000 Genomes Project 0.00100.
gnomAD v4.1: 197 of 1,609,400 alleles (0.012%); highest among the groups gnomAD compares: South Asian, 0.21%; 3 homozygotes.

Submissions (2):

Labcorp Genetics (formerly Invitae), Labcorp
Classification: Benign. Last evaluated: 2025-09-27. Review status: criteria provided, single submitter. Criteria: Invitae Variant Classification Sherloc (09022015). Collection method: clinical testing. Allele origin: germline.

PreventionGenetics, part of Exact Sciences
Classification: Likely benign for PHIP-related condition. Last evaluated: 2021-09-15. Review status: no assertion criteria provided. Collection method: clinical testing. Allele origin: germline. Not counted in ClinVar's aggregate classification.
Comment: This variant is classified as likely benign based on ACMG/AMP sequence variant interpretation guidelines (Richards et al. 2015 PMID: 25741868, with internal and published modifications).